The following is an entry in ClinVar:

NM_000368.5(TSC1):c.2215C>G (p.Gln739Glu)

Gene: TSC1 (TSC complex subunit 1; minus strand). Cytogenetic location: 9q34.13.
Variant type: single nucleotide variant.
Coding change: c.2215C>G on transcript NM_000368.5 (MANE Select); coding-DNA position 2215, C replaced by G.
Protein change: p.Gln739Glu; replaces glutamine 739 with glutamic acid.
Molecular consequence: missense variant. On other transcripts: non-coding transcript variant (5).
Genome position (GRCh38, 1-based): chr9:132,902,781, G>C on the plus strand (C>G on the coding strand, the complement: TSC1 is on the minus strand). VCF-style: chr9-132902781-G-C. GRCh37 (hg19) VCF-style: chr9-135778168-G-C.
Other names: c.2200C>G, p.Gln734Glu (NM_001406602.1, NM_001406601.1); c.2197C>G, p.Gln733Glu (NM_001406603.1, NM_001406604.1); c.2215C>G, p.Gln739Glu (NM_001406605.1, NM_001406606.1, NM_001406607.1 and 5 more transcripts); c.2212C>G, p.Gln738Glu (NM_001406608.1, NM_001406609.1, NM_001162426.2 and 4 more transcripts); c.2062C>G, p.Gln688Glu (NM_001406610.1, NM_001162427.2); c.2059C>G, p.Gln687Glu (NM_001406611.1, NM_001406612.1, NM_001406613.1); c.1849C>G, p.Gln617Glu (NM_001406621.1, NM_001406622.1, NM_001406623.1 and 2 more transcripts); c.1852C>G, p.Gln618Glu (NM_001406624.1, NM_001362177.2, NM_001406614.1 and 5 more transcripts); and 3 more; short protein forms Q687E, Q688E, Q738E, Q421E, Q739E, Q388E, Q422E, Q617E.
Identifiers: ClinVar variation 2758045 (VCV002758045.5), dbSNP rs1554815054, ClinGen allele CA375360123.

ClinVar aggregate classification (germline): Uncertain significance. Review status: criteria provided, multiple submitters, no conflicts (2 of 4 stars). 2 submissions from 2 submitters: Uncertain significance (2). Last evaluated 2026-09-11.

Conditions:
Tuberous sclerosis 1 (TSC1). Identifiers: Orphanet 805, MedGen C1854465, MONDO:0008612, OMIM 191100.
Hereditary cancer-predisposing syndrome. Also called: Hereditary Cancer Syndrome; Hereditary neoplastic syndrome; Neoplastic Syndromes, Hereditary; Tumor predisposition. Identifiers: Orphanet 140162, MedGen C0027672, MeSH D009386, MONDO:0015356.

Submissions (2):

Ambry Genetics
Classification: Uncertain significance for Hereditary cancer-predisposing syndrome. Last evaluated: 2026-09-11. Review status: criteria provided, single submitter. Criteria: Ambry Variant Classification Scheme 2023. Collection method: clinical testing. Allele origin: germline.
Comment: The p.Q739E variant (also known as c.2215C>G), located in coding exon 16 of the TSC1 gene, results from a C to G substitution at nucleotide position 2215. The glutamine at codon 739 is replaced by glutamic acid, an amino acid with highly similar properties. This amino acid position is conserved. In addition, this alteration is predicted to be deleterious by in silico analysis. Based on the available evidence, the clinical significance of this variant remains unclear.

Labcorp Genetics (formerly Invitae), Labcorp
Classification: Uncertain significance for Tuberous sclerosis 1. Last evaluated: 2024-04-09. Review status: criteria provided, single submitter. Criteria: Invitae Variant Classification Sherloc (09022015). Collection method: clinical testing. Allele origin: germline.
Comment: This sequence change replaces glutamine, which is neutral and polar, with glutamic acid, which is acidic and polar, at codon 739 of the TSC1 protein (p.Gln739Glu). This variant is not present in population databases (gnomAD no frequency). This variant has not been reported in the literature in individuals affected with TSC1-related conditions. Advanced modeling of protein sequence and biophysical properties (such as structural, functional, and spatial information, amino acid conservation, physicochemical variation, residue mobility, and thermodynamic stability) performed at Invitae indicates that this missense variant is not expected to disrupt TSC1 protein function with a negative predictive value of 95%. In summary, the available evidence is currently insufficient to determine the role of this variant in disease. Therefore, it has been classified as a Variant of Uncertain Significance.